The following is an entry in ClinVar:

NM_001184880.2(PCDH19):c.2647G>A (p.Val883Met)

Gene: PCDH19 (protocadherin 19; minus strand). Cytogenetic location: Xq22.1.
Variant type: single nucleotide variant.
Coding change: c.2647G>A on transcript NM_001184880.2 (MANE Select); coding-DNA position 2647, G replaced by A.
Protein change: p.Val883Met; replaces valine 883 with methionine.
Molecular consequence: missense variant.
Genome position (GRCh38, 1-based): chrX:100,350,674, C>T on the plus strand (G>A on the coding strand, the complement: PCDH19 is on the minus strand). VCF-style: chrX-100350674-C-T. GRCh37 (hg19) VCF-style: chrX-99605672-C-T.
Other names: c.2506G>A, p.Val836Met (NM_001105243.2, NM_020766.3); short protein forms V836M, V883M.
Identifiers: ClinVar variation 1003087 (VCV001003087.6), dbSNP rs746945279, ClinGen allele CA10468739.

ClinVar aggregate classification (germline): Uncertain significance (1 of 4 stars; one submission).

Conditions:
Developmental and epileptic encephalopathy, 9 (DEE9). Also called: EPILEPSY, FEMALE-RESTRICTED, WITH MENTAL RETARDATION; Early infantile epileptic encephalopathy 9; PCDH19-Related X-Linked Female-Limited Epilepsy with Mental Retardation; JUBERG-HELLMAN SYNDROME. Identifiers: Orphanet 101039, Orphanet 2076, MedGen C1848137, MONDO:0010246, OMIM 300088. Disease mechanism: loss of function.

Allele frequency attached by ClinVar (database versions not stated): ExAC below 0.00001; gnomAD exomes below 0.00001 and 0.00001; TOPMed 0.00001.
gnomAD v4.1: 3 of 1,189,672 alleles (0.00025%); highest among the groups gnomAD compares: South Asian, 0.0018%; no homozygotes.

Submission:

Labcorp Genetics (formerly Invitae), Labcorp
Classification: Uncertain significance for Developmental and epileptic encephalopathy, 9. Last evaluated: 2021-08-26. Review status: criteria provided, single submitter. Criteria: Invitae Variant Classification Sherloc (09022015). Collection method: clinical testing. Allele origin: germline.
Comment: This sequence change replaces valine with methionine at codon 883 of the PCDH19 protein (p.Val883Met). The valine residue is highly conserved and there is a small physicochemical difference between valine and methionine. The frequency data for this variant in the population databases is considered unreliable, as metrics indicate poor data quality at this position in the ExAC database. This variant has not been reported in the literature in individuals affected with PCDH19-related conditions. Algorithms developed to predict the effect of missense changes on protein structure and function are either unavailable or do not agree on the potential impact of this missense change (SIFT: "Deleterious"; PolyPhen-2: "Benign"; Align-GVGD: "Class C0"). In summary, the available evidence is currently insufficient to determine the role of this variant in disease. Therefore, it has been classified as a Variant of Uncertain Significance.